The following is an entry in ClinVar:

NM_015047.3(EMC1):c.728G>A (p.Arg243His)

Genes: EMC1 (ER membrane protein complex subunit 1; minus strand), EMC1-AS1 (EMC1 antisense RNA 1; plus strand). Cytogenetic location: 1p36.13.
Variant type: single nucleotide variant.
Coding change: c.728G>A on transcript NM_015047.3 (MANE Select); coding-DNA position 728, G replaced by A.
Protein change: p.Arg243His; replaces arginine 243 with histidine.
Molecular consequence: missense variant. On other transcripts: non-coding transcript variant (1).
Genome position (GRCh38, 1-based): chr1:19,240,355, C>T on the plus strand (G>A on the coding strand, the complement: EMC1 is on the minus strand). VCF-style: chr1-19240355-C-T. GRCh37 (hg19) VCF-style: chr1-19566849-C-T.
Other names: c.728G>A, p.Arg243His (NM_001271427.2, NM_001271428.2, NM_001375820.1 and 1 more transcripts); c.662G>A, p.Arg221His (NM_001271429.2); short protein forms R221H, R243H.
Identifiers: ClinVar variation 2147787 (VCV002147787.5), dbSNP rs761865628, ClinGen allele CA652812.

ClinVar aggregate classification (germline): Uncertain significance. Review status: criteria provided, multiple submitters, no conflicts (2 of 4 stars). 2 submissions from 2 submitters: Uncertain significance (2). Last evaluated 2025-10-01.

Allele frequency attached by ClinVar (database versions not stated): gnomAD 0.00001; TOPMed 0.00002; ExAC 0.00004.

Submissions (2):

Labcorp Genetics (formerly Invitae), Labcorp
Classification: Uncertain significance. Last evaluated: 2025-10-01. Review status: criteria provided, single submitter. Criteria: Invitae Variant Classification Sherloc (09022015). Collection method: clinical testing. Allele origin: germline.
Comment: This sequence change replaces arginine, which is basic and polar, with histidine, which is basic and polar, at codon 243 of the EMC1 protein (p.Arg243His). This variant is present in population databases (rs761865628, gnomAD 0.006%). This variant has not been reported in the literature in individuals affected with EMC1-related conditions. ClinVar contains an entry for this variant (Variation ID: 2147787). Invitae Evidence Modeling of protein sequence and biophysical properties (such as structural, functional, and spatial information, amino acid conservation, physicochemical variation, residue mobility, and thermodynamic stability) indicates that this missense variant is not expected to disrupt EMC1 protein function with a negative predictive value of 80%. In summary, the available evidence is currently insufficient to determine the role of this variant in disease. Therefore, it has been classified as a Variant of Uncertain Significance.

Blueprint Genetics
Classification: Uncertain significance. Last evaluated: 2022-01-10. Review status: criteria provided, single submitter. Criteria: ACMG Guidelines, 2015. Collection method: clinical testing. Allele origin: germline.